The following is an entry in ClinVar:

ClinVar aggregate classification (germline): Uncertain significance (1 of 4 stars; one submission).

Conditions:
3-methylglutaconic aciduria, type VIIB (MGCA7B). Also called: CLPB Deficiency; 3-methylglutaconic aciduria, type VII, with cataracts, neurologic involvement and neutropenia; 3-methylglutaconic aciduria with cataracts, neurologic involvement and neutropenia. Identifiers: Orphanet 445038, MedGen C5676893, MONDO:0014561, OMIM 616271.

Allele frequency attached by ClinVar (database versions not stated): TOPMed below 0.00001; ExAC 0.00001; gnomAD 0.00001.
gnomAD v4.1: 1 of 1,613,534 alleles (0.000062%); highest among the groups gnomAD compares: Non-Finnish European, 0.000085%; no homozygotes.

Submission:

Labcorp Genetics (formerly Invitae), Labcorp
Classification: Uncertain significance for 3-methylglutaconic aciduria, type VIIB. Last evaluated: 2022-03-19. Review status: criteria provided, single submitter. Criteria: Invitae Variant Classification Sherloc (09022015). Collection method: clinical testing. Allele origin: germline.
Comment: This sequence change replaces histidine, which is basic and polar, with proline, which is neutral and non-polar, at codon 164 of the CLPB protein (p.His164Pro). This variant is not present in population databases (gnomAD no frequency). This variant has not been reported in the literature in individuals affected with CLPB-related conditions. Algorithms developed to predict the effect of missense changes on protein structure and function are either unavailable or do not agree on the potential impact of this missense change (SIFT: "Tolerated"; PolyPhen-2: "Probably Damaging"; Align-GVGD: "Class C0"). In summary, the available evidence is currently insufficient to determine the role of this variant in disease. Therefore, it has been classified as a Variant of Uncertain Significance.

NM_001258392.3(CLPB):c.491A>C (p.His164Pro)

Gene: CLPB (ClpB family mitochondrial disaggregase; minus strand). Cytogenetic location: 11q13.4.
Variant type: single nucleotide variant.
Coding change: c.491A>C on transcript NM_001258392.3 (MANE Select); coding-DNA position 491, A replaced by C.
Protein change: p.His164Pro; replaces histidine 164 with proline.
Molecular consequence: missense variant. On other transcripts: intron variant (1).
Genome position (GRCh38, 1-based): chr11:72,403,017, T>G on the plus strand (A>C on the coding strand, the complement: CLPB is on the minus strand). VCF-style: chr11-72403017-T-G. GRCh37 (hg19) VCF-style: chr11-72114061-T-G.
Other names: c.356A>C, p.His119Pro (NM_001258394.3); c.491A>C, p.His164Pro (NM_030813.6); c.456-22633A>C (NM_001258393.3); short protein forms H119P, H164P.
Identifiers: ClinVar variation 2113292 (VCV002113292.4), dbSNP rs759610125, ClinGen allele CA6171545.